The following is an entry in ClinVar:

ClinVar aggregate classification (germline): Uncertain significance (0 of 4 stars; one submission).

Submission:

Department of Pathology and Laboratory Medicine, Sinai Health System
Classification: Uncertain significance. Review status: no assertion criteria provided. Collection method: clinical testing. Allele origin: unknown. Affected: yes. Observed: 1 variant allele. Study: The Canadian Open Genetics Repository (COGR).
Comment: The MSH6 p.Arg1095Pro variant was not identified in the literature nor was it identified in the following databases: dbSNP, ClinVar, Cosmic, MutDB, Insight Colon Cancer Gene Variant Database, Zhejiang Colon Cancer Database, Mismatch Repair Genes Variant Database, or the Insight Hereditary Tumors Database. The variant was identified in the UMD-LSDB database (4x, unclassified variant). The variant was not identified in the control databases: the 1000 Genomes Project, the NHLBI GO Exome Sequencing Project, the Exome Aggregation Consortium (August 8th 2016), or the Genome Aggregation Database (Feb 27, 2017). The p.Arg1095 residue is conserved across mammals and other organisms, and computational analyses (PolyPhen-2, SIFT, AlignGVGD, BLOSUM, MutationTaster) suggest that the variant may impact the protein; however, this information is not predictive enough to assume pathogenicity. The variant occurs outside of the splicing consensus sequence and in silico or computational prediction software programs (SpliceSiteFinder, MaxEntScan, NNSPLICE, GeneSplicer, HumanSpliceFinder) do not predict a difference in splicing. In summary, based on the above information the clinical significance of this variant cannot be determined with certainty at this time. This variant is classified as a variant of uncertain significance.

NM_000179.3(MSH6):c.3284G>C (p.Arg1095Pro)

Gene: MSH6 (mutS homolog 6; plus strand). Cytogenetic location: 2p16.3.
Variant type: single nucleotide variant.
Coding change: c.3284G>C on transcript NM_000179.3 (MANE Select); coding-DNA position 3284, G replaced by C.
Protein change: p.Arg1095Pro; replaces arginine 1095 with proline.
Molecular consequence: missense variant.
Genome position (GRCh38, 1-based): chr2:47,803,531, G>C. VCF-style: chr2-47803531-G-C. GRCh37 (hg19) VCF-style: chr2-48030670-G-C.
Other names: c.2894G>C, p.Arg965Pro (NM_001281492.2); c.2378G>C, p.Arg793Pro (NM_001281493.2, NM_001281494.2); short protein forms R1095P, R793P, R965P.
Identifiers: ClinVar variation 1049211 (VCV001049211.1), dbSNP rs63750253, ClinGen allele CA346758367.
Genomic context (GRCh38, chr2:47,803,531, plus strand): 5'-GTCGCCCAGTAATTCTGTTGCCGGAAGATACCCCCCCCTTCTTAGAGCTTAAAGGATCAC[G>C]CCATCCTTGCATTACGAAGACTTTTTTTGGAGATGATTTTATTCCTAATGACATTCTAAT-3'
Protein context (NP_000170.1, residues 1085-1105): TPPFLELKGS[Arg1095Pro]HPCITKTFFG